The following is an entry in ClinVar:

ClinVar aggregate classification (germline): Conflicting classifications of pathogenicity. Review status: criteria provided, conflicting classifications (1 of 4 stars). 3 submissions from 3 submitters: Likely pathogenic (2); Uncertain significance (1). Last evaluated 2022-05-04.

Conditions:
Dystonia 12 (DYT12). Also called: Rapid-Onset Dystonia-Parkinsonism (RDP); DYT-ATP1A3. Identifiers: Orphanet 71517, MedGen C1868681, MONDO:0007496, OMIM 128235.

Submissions (3):

Mendelics
Classification: Likely pathogenic for Dystonia 12. Last evaluated: 2022-05-04. Review status: criteria provided, single submitter. Criteria: Mendelics Assertion Criteria 2019. Collection method: clinical testing. Allele origin: germline.

Labcorp Genetics (formerly Invitae), Labcorp
Classification: Likely pathogenic for Dystonia 12. Last evaluated: 2021-08-27. Review status: criteria provided, single submitter. Criteria: Invitae Variant Classification Sherloc (09022015). Collection method: clinical testing. Allele origin: germline.

Neuberg Centre For Genomic Medicine, NCGM
Classification: Uncertain significance for Dystonia 12. Review status: criteria provided, single submitter. Criteria: ACMG Guidelines, 2015. Collection method: clinical testing. Allele origin: germline. Inheritance: Autosomal dominant inheritance. Affected: yes.
Comment: The missense variant c.973G>C (p.Gly325Arg) has been submitted to ClinVar as Likely Pathogenic, but no details are available for independent assessment. It has not been reported in affected individuals. The p.Gly325Arg variant is novel (not in any individuals) in gnomAD Exomes and 1000 Genomes. The amino acid Gly at position 325 is changed to a Arg changing protein sequence and it might alter its composition and physico-chemical properties. The amino acid change p.Gly325Arg in ATP1A3 is predicted as conserved by GERP++ and PhyloP across 100 vertebrates. For these reasons, this variant has been classified as Variant of Uncertain Significance (VUS).

NM_152296.5(ATP1A3):c.973G>C (p.Gly325Arg)

Gene: ATP1A3 (ATPase Na+/K+ transporting subunit alpha 3; minus strand). Cytogenetic location: 19q13.2.
Variant type: single nucleotide variant.
Coding change: c.973G>C on transcript NM_152296.5 (MANE Select); coding-DNA position 973, G replaced by C.
Protein change: p.Gly325Arg; replaces glycine 325 with arginine.
Molecular consequence: missense variant.
Genome position (GRCh38, 1-based): chr19:41,984,938, C>G on the plus strand (G>C on the coding strand, the complement: ATP1A3 is on the minus strand). VCF-style: chr19-41984938-C-G. GRCh37 (hg19) VCF-style: chr19-42489090-C-G.
Other names: c.1006G>C, p.Gly336Arg (NM_001256213.2); c.1012G>C, p.Gly338Arg (NM_001256214.2); short protein forms G325R, G336R, G338R.
Identifiers: ClinVar variation 1509153 (VCV001509153.4), dbSNP rs2145977694, ClinGen allele CA406052146.